The following continues an entry in ClinVar:

NM_001276345.2(TNNT2):c.650AGA[3] (p.Lys220del)

Gene: TNNT2. ClinVar aggregate classification (germline): Pathogenic/Likely pathogenic. Pathogenic (21); Likely pathogenic (4).

Submissions 9 to 21 of 30:

All of Us Research Program, National Institutes of Health
Classification: Pathogenic for Primary dilated cardiomyopathy. Last evaluated: 2024-01-08. Review status: criteria provided, single submitter. Criteria: ACMG Guidelines, 2015. Collection method: clinical testing. Allele origin: germline. Inheritance: Autosomal dominant inheritance. Observed: 2 variant alleles, 2 heterozygotes.
Comment: This variant causes an in-frame deletion of one amino acid in the troponin C binding domain of the TNNT2 protein. Experimental functional studies using rabbit cardiac muscle fibers have shown that this variant causes a disruption to calcium sensitivity (PMID: 11773635, 12923187, 15623536, 15923195). Recombinant human troponin complexes expressing this variant have shown that this variant causes decreased filament mobility (PMID: 12186860, 15923195). Additionally, a mouse model for this variant has shown a recapitulation of the human dilated cardiomyopathy phenotype, including cardiac enlargement, heart failure and sudden death (PMID: 17556660). This variant has been reported in over 20 unrelated individuals affected with dilated cardiomyopathy (PMID: 11106718, 11862580, 14567970, 15542288, 20031601, 20978592, 22949430, 24503780, 25179549, 31568572). It has been shown that this variant segregates with disease in multiple affected individuals across at least 10 families (PMID: 11106718, 15542288, 20031601, 20978592, 25179549). This variant has also been reported in an individual affected with left ventricular noncompaction (PMID: 29212898). This variant has not been identified in the general population by the Genome Aggregation Database (gnomAD). Based on the available evidence, this variant is classified as Pathogenic.

This study involves interpretation of variants in research participants for the purpose of population health screening. Participant phenotype was not available at the time of variant classification. Additional details can be found in publication PMID: 35346344, PMCID: PMC8962531

Victorian Clinical Genetics Services, Murdoch Childrens Research Institute
Classification: Pathogenic for Dilated cardiomyopathy 1D. Last evaluated: 2023-07-17. Review status: criteria provided, single submitter. Criteria: ACMG Guidelines, 2015. Collection method: clinical testing. Allele origin: germline. Inheritance: Autosomal dominant inheritance.
Comment: Based on the classification scheme VCGS_Germline_v1.3.4, this variant is classified as Pathogenic. Following criteria are met: 0105 - The mechanism of disease for this gene is not clearly established. Functional studies have suggested loss of function, gain of function and dominant negative mechanisms based on calcium sensitivity, contractibility and mouse models. Although it is important to note that ClinGen has concluded that there is no evidence for haploinsufficiency for this gene (PMID: 18612386, 32098556, 33025817; ClinGen). (I) 0107 - This gene is associated with autosomal dominant disease. (I) 0115 - Variants in this gene are known to have variable expressivity. p.(Arg92Gln) has been described in families which have both DCM and HCM (PMID: 26507537). (I) 0214 - In-frame deletion fully contained in a repetitive region that has high conservation. (SP) 0251 - This variant is heterozygous. (I) 0301 - Variant is absent from gnomAD (both v2 and v3). (SP) 0600 - Variant is located in the annotated troponin domain (NCBI, DECIPHER). (I) 0801 - This variant has strong previous evidence of pathogenicity in unrelated individuals. It has been reported in more than 30 probands with DCM and as been classified as pathogenic by diagnostic laboratories in ClinVar. (PMID: 20978592, 24503780; ClinVar). (SP) Legend: (SP) - Supporting pathogenic, (I) - Information, (SB) - Supporting benign

Genome-Nilou Lab
Classification: Likely pathogenic for Dilated cardiomyopathy 1D. Last evaluated: 2023-04-11. Review status: criteria provided, single submitter. Criteria: ACMG Guidelines, 2015. Collection method: clinical testing. Allele origin: germline. Affected: no.

Genome-Nilou Lab
Classification: Likely pathogenic for Cardiomyopathy, familial restrictive, 3. Last evaluated: 2023-04-11. Review status: criteria provided, single submitter. Criteria: ACMG Guidelines, 2015. Collection method: clinical testing. Allele origin: germline. Affected: no.

Genome-Nilou Lab
Classification: Likely pathogenic for Hypertrophic cardiomyopathy 2. Last evaluated: 2023-04-11. Review status: criteria provided, single submitter. Criteria: ACMG Guidelines, 2015. Collection method: clinical testing. Allele origin: germline. Affected: no.

Blueprint Genetics
Classification: Pathogenic for TNNT2-related disorders. Last evaluated: 2022-11-11. Review status: criteria provided, single submitter. Criteria: ACMG Guidelines, 2015. Collection method: clinical testing. Allele origin: germline. Affected: yes. Observed: 5 variant alleles.

Clinical Genetics Laboratory, Skane University Hospital Lund
Classification: Pathogenic. Last evaluated: 2022-07-13. Review status: criteria provided, single submitter. Criteria: ACMG Guidelines, 2015. Collection method: clinical testing. Allele origin: germline. Affected: yes.

GeneDx
Classification: Pathogenic. Last evaluated: 2022-05-11. Review status: criteria provided, single submitter. Criteria: GeneDx Variant Classification Process June 2021. Collection method: clinical testing. Allele origin: germline. Affected: yes.
Comment: Hanson et al. (2002) identified c.629_631delAGA in one family with DCM with phenotypes of affected family members ranging from severe, infantile onset to mild disease with onset in the 70s; however, of the 13 affected individuals identified in the family, 10 had onset of features before 30 years of age (Hanson et al., 2002); Not observed at significant frequency in large population cohorts (gnomAD); In-frame deletion of 1 amino acid in a non-repeat region; In silico analysis supports a deleterious effect on protein structure/function; Published functional studies demonstrate a damaging effect; c.629_631delAGA causes a decrease in maximum speed of heart muscle contraction, leading to impaired systolic function and cardiac dilation (Mogensen et al., 2004; Venkatraman et al., 2003); This variant is associated with the following publications: (PMID: 31983221, 32458740, 30847666, 31447099, 28436080, 28839205, 34298581, 17932326, 12923187, 15623536, 15923195, 14654368, 20079745, 20978592, 22675533, 23383212, 11773635, 12186860, 23663841, 26178429, 24503780, 26688388, 11106718, 11862580, 15542288, 20031601, 27532257, 29212898, 29447731, 31112419, 31514951, 31918855, 32160020, 23539503, 32563186, 33662488, 31251381, 34426522, 33906374, 33941202, 27535533, 32581830, 33025817)

Ambry Genetics
Classification: Pathogenic for Cardiovascular phenotype. Last evaluated: 2022-01-10. Review status: criteria provided, single submitter. Criteria: Ambry General Variant Classification Scheme_2022. Collection method: clinical testing. Allele origin: germline. Observed: 1 variant allele.
Comment: The c.629_631delAGA pathogenic mutation (also known as p.K210del) is located in coding exon 12 of the TNNT2 gene. This alteration results from an in-frame AGA deletion between nucleotide positions 629 and 631. This results in the deletion of a lysine residue at codon 210. This alteration, also referred to as K217del, has been previously reported in multiple individuals and families with dilated cardiomyopathy (DCM). Phenotypic features, including DCM, sudden cardiac death, conduction system disease, and heart failure, were reported among individual patients and within and between families varying in age of onset, disease progression, and severity (Kamisago M et al. NEJM. 2000;343(23):1688-96). This alteration has also been reported to occur de novo, and has been detected in cases with ventricular non-compaction (Otten E et al. Neth Heart J. 2010;18(10):478-85; Miller EM et al. Circ Cardiovasc Genet. 2017;10(6)). Functional in vitro analyses have reported this alteration to result in reduced cardiac contractile function (Morimoto S et al. PNAS. 2002;99(2):913-8; Venkatraman G et al. J Biol Chem. 2005;280(18):17584-92). Based on the supporting evidence, this alteration is interpreted as a disease-causing mutation.

Laboratory for Molecular Medicine, Mass General Brigham Personalized Medicine
Classification: Pathogenic for Primary dilated cardiomyopathy. Last evaluated: 2021-03-24. Review status: criteria provided, single submitter. Criteria: ACMG Guidelines, 2015. Collection method: clinical testing. Allele origin: germline. Inheritance: Autosomal dominant inheritance.
Comment: The p.Lys210del variant in TNNT2 has been reported in multiple families with DCM and segregated with disease in >10 affected relatives (Kamisago 2000 PMID: 11106718, Hanson 2002 PMID: 11862580, Mogensen 2004 PMID: 15542288, Hershberger 2009 PMID: 20031601, Otten 2010 PMID: 20978592, LMM data). This variant has been classified as Pathogenic by multiple laboratories in ClinVar (Variation ID 43659). It was absent from large population studies. Multiple functional studies support a disease-causing role (Venkatraman 2003 PMID: 12923187, Venkatraman 2005 PMID: 15623536, Ahmad 2008 PMID: 18612386, Sfichi-Duke 2010 PMID: 20079745, Liu 2012 PMID: 22675533, Sugihara 2013 PMID: 23383212). In summary, this variant meets criteria to be classified as pathogenic for autosomal dominant DCM. ACMG/AMP criteria applied: PS4, PP1_Strong, PS3_Moderate, PM2_Supporting.

CHEO Genetics Diagnostic Laboratory, Children's Hospital of Eastern Ontario
Classification: Pathogenic for Cardiomyopathy. Last evaluated: 2019-11-22. Review status: criteria provided, single submitter. Criteria: ACMG Guidelines, 2015. Collection method: clinical testing. Allele origin: germline.

Klaassen Lab, Charite University Medicine Berlin
Classification: Likely pathogenic for Primary dilated cardiomyopathy. Last evaluated: 2019-07-03. Review status: criteria provided, single submitter. Criteria: ACMG Guidelines, 2015. Collection method: research. Allele origin: germline. Affected: yes.

New York Genome Center
Classification: Pathogenic for Dilated cardiomyopathy 1D. Last evaluated: 2019-06-05. Review status: criteria provided, single submitter. Criteria: NYGC Assertion Criteria 2020. Collection method: clinical testing. Allele origin: de novo. Affected: yes. Observed: 1 heterozygote. Study: CSER-NYCKidSeq.
Comment: The de novo heterozygous 3-bps deletion removes one of the four consecutive Lysine residues from the calcium-sensitive troponin-C binding domain of troponin T. In the literature this variant is known as p.Lys210del, p.Lys217del, or p.Lys220del. It is a known recurrent pathogenic variant that has been reported in multiple unrelated patients as well as in large unrelated families segregating dilated cardiomyopathy [PMID: 11106718; PMID: 15542288; PMID: 20978592; PMID: 11862580]. This variant has also been reported to occur de novo in individuals affected with dilated cardiomyopathy[PMID: 20978592].